The following is an entry in ClinVar:

ClinVar aggregate classification (germline): Benign/Likely benign. Review status: criteria provided, multiple submitters, no conflicts (2 of 4 stars). 7 submissions from 7 submitters: Benign (2); Likely benign (3). 2 of the submissions do not count toward it. Last evaluated 2026-06-01.

Conditions:
ATP5F1A-related disorder. Also called: ATP5F1A-related condition.

Allele frequency attached by ClinVar (database versions not stated): ESP Exome Variant Server 0.00016; gnomAD exomes 0.00046 and 0.00205; gnomAD 0.00096 and 0.00106; ExAC 0.00137; TOPMed 0.00198; 1000 Genomes Project 0.00260; 1000 Genomes Project 30x 0.00312.
gnomAD v4.1: 826 of 1,607,002 alleles (0.051%); highest among the groups gnomAD compares: Admixed American, 1.1%; 11 homozygotes.

Submissions (7):

CeGaT Center for Human Genetics Tuebingen
Classification: Likely benign. Last evaluated: 2026-06-01. Review status: criteria provided, single submitter. Criteria: CeGaT Center For Human Genetics Tuebingen Variant Classification Criteria Version 2. Collection method: clinical testing. Allele origin: germline. Affected: yes. Observed: 4 variant alleles.
Comment: ATP5F1A: BS1

Labcorp Genetics (formerly Invitae), Labcorp
Classification: Benign. Last evaluated: 2026-01-12. Review status: criteria provided, single submitter. Criteria: Invitae Variant Classification Sherloc (09022015). Collection method: clinical testing. Allele origin: germline.

GeneDx
Classification: Benign. Last evaluated: 2017-11-15. Review status: criteria provided, single submitter. Criteria: GeneDx Variant Classification (06012015). Collection method: clinical testing. Allele origin: germline. Affected: yes.
Comment: This variant is considered likely benign or benign based on one or more of the following criteria: it is a conservative change, it occurs at a poorly conserved position in the protein, it is predicted to be benign by multiple in silico algorithms, and/or has population frequency not consistent with disease.

Center for Pediatric Genomic Medicine, Children's Mercy Hospital and Clinics
Classification: Likely benign. Last evaluated: 2017-04-17. Review status: criteria provided, single submitter. Criteria: ACMG Guidelines, 2015. Collection method: clinical testing. Allele origin: germline.

Breakthrough Genomics
Classification: Likely benign. Review status: criteria provided, single submitter. Criteria: ACMG Guidelines, 2015. Collection method: not provided. Allele origin: germline. Inheritance: Autosomal recessive inheritance. Affected: yes.

PreventionGenetics, part of Exact Sciences
Classification: Benign for ATP5F1A-related condition. Last evaluated: 2019-10-29. Review status: no assertion criteria provided. Collection method: clinical testing. Allele origin: germline. Not counted in ClinVar's aggregate classification.
Comment: This variant is classified as benign based on ACMG/AMP sequence variant interpretation guidelines (Richards et al. 2015 PMID: 25741868, with internal and published modifications).

Mayo Clinic Laboratories, Mayo Clinic
Classification: Uncertain significance. Last evaluated: 2016-03-11. Review status: no assertion criteria provided. Collection method: clinical testing. Allele origin: unknown. Not counted in ClinVar's aggregate classification.

NM_004046.6(ATP5F1A):c.25G>A (p.Ala9Thr)

Genes: ATP5F1A (ATP synthase F1 subunit alpha; minus strand), LOC126862738 (BRD4-independent group 4 enhancer GRCh37_chr18:43677662-43678861; plus strand). Cytogenetic location: 18q21.1.
Variant type: single nucleotide variant.
Coding change: c.25G>A on transcript NM_004046.6 (MANE Select); coding-DNA position 25, G replaced by A.
Protein change: p.Ala9Thr; replaces alanine 9 with threonine.
Molecular consequence: missense variant. On other transcripts: 5 prime UTR variant (2).
Genome position (GRCh38, 1-based): chr18:46,098,207, C>T on the plus strand (G>A on the coding strand, the complement: ATP5F1A is on the minus strand). VCF-style: chr18-46098207-C-T. GRCh37 (hg19) VCF-style: chr18-43678173-C-T.
Other names: c.-199G>A (NM_001001935.3); c.25G>A, p.Ala9Thr (NM_001001937.2, NM_001257334.2); c.-462G>A (NM_001257335.2); short protein forms A9T.
Identifiers: ClinVar variation 445307 (VCV000445307.20), dbSNP rs141639003, ClinGen allele CA8951001.